The following is an entry in ClinVar:

ClinVar aggregate classification (germline): Likely benign (0 of 4 stars; one submission).

Conditions:
FAT1-related disorder. Also called: FAT1-related condition.

Allele frequency attached by ClinVar (database versions not stated): TOPMed 0.00001; gnomAD 0.00003; gnomAD exomes 0.00003; ExAC 0.00005; 1000 Genomes Project 0.00020; 1000 Genomes Project 30x 0.00031.
gnomAD v4.1: 41 of 1,607,864 alleles (0.0025%); highest among the groups gnomAD compares: South Asian, 0.023%; 2 homozygotes.

Submission:

PreventionGenetics, part of Exact Sciences
Classification: Likely benign for FAT1-related condition. Last evaluated: 2021-05-21. Review status: no assertion criteria provided. Collection method: clinical testing. Allele origin: germline.
Comment: This variant is classified as likely benign based on ACMG/AMP sequence variant interpretation guidelines (Richards et al. 2015 PMID: 25741868, with internal and published modifications).

NM_005245.4(FAT1):c.3279G>A (p.Thr1093=)

Gene: FAT1 (FAT atypical cadherin 1; minus strand). Cytogenetic location: 4q35.2.
Variant type: single nucleotide variant.
Coding change: c.3279G>A on transcript NM_005245.4 (MANE Select); coding-DNA position 3279, G replaced by A.
Protein change: p.Thr1093=; no amino-acid change (threonine 1093 retained).
Molecular consequence: synonymous variant.
Genome position (GRCh38, 1-based): chr4:186,663,600, C>T on the plus strand (G>A on the coding strand, the complement: FAT1 is on the minus strand). VCF-style: chr4-186663600-C-T. GRCh37 (hg19) VCF-style: chr4-187584754-C-T.
Identifiers: ClinVar variation 3047036 (VCV003047036.2), dbSNP rs145277827, ClinGen allele CA3167052.